The following is an entry in ClinVar:

ClinVar aggregate classification (germline): Pathogenic (1 of 4 stars; one submission).

Conditions:
Intellectual developmental disorder with speech delay, autism, and dysmorphic facies. Identifiers: MedGen C5231456, MONDO:0032864, OMIM 618672.

Submission:

Cytogenetique et Genetique Moleculaire, CHU Besancon
Classification: Pathogenic for Intellectual developmental disorder with speech delay, autism, and dysmorphic facies. Last evaluated: 2023-08-13. Review status: criteria provided, single submitter. Criteria: ACMG Guidelines, 2015. Collection method: clinical testing. Allele origin: germline. Affected: yes.
Comment: The NM_014516.4:c.1232del variant is an frameshift variant in CNOT3 which is predicted to result in a premature stop codon, and likely results in an absent or disrupted protein product (PVS1). This variant is not present in gnomAD (PM2; v4.1.0). In summary, this variant meets criteria to be classified as pathogenic for CNOT3-related neurodevelopmental disorders based on the ACMG/AMP criteria applied (PVS1 PM2 PM6).

NM_014516.4(CNOT3):c.1232del (p.Ser411fs)

Gene: CNOT3 (CCR4-NOT transcription complex subunit 3; plus strand). Cytogenetic location: 19q13.42.
Variant type: Deletion.
Coding change: c.1232del on transcript NM_014516.4 (MANE Select); coding-DNA position 1232, one base deleted (G; older notation c.1232delG).
Protein change: p.Ser411fs; shifts the reading frame from serine 411.
Molecular consequence: frameshift variant.
Genome position (GRCh38, 1-based): chr19:54,148,485, G deleted. VCF-style (leftmost placement, unchanged base first): chr19-54148484-AG-A. GRCh37 (hg19) VCF-style: chr19-54652219-AG-A.
Other names: short protein forms S411fs.
Identifiers: ClinVar variation 3387807 (VCV003387807.1).